The following is an entry in ClinVar:

ClinVar aggregate classification (germline): Uncertain significance (1 of 4 stars; one submission).

Allele frequency attached by ClinVar (database versions not stated): gnomAD exomes below 0.00001.
gnomAD v4.1: 1 of 1,591,936 alleles (0.000063%); highest among the groups gnomAD compares: Middle Eastern, 0.017%; no homozygotes.

Submission:

CeGaT Center for Human Genetics Tuebingen
Classification: Uncertain significance. Last evaluated: 2023-04-01. Review status: criteria provided, single submitter. Criteria: CeGaT Center For Human Genetics Tuebingen Variant Classification Criteria Version 2. Collection method: clinical testing. Allele origin: germline. Affected: yes. Observed: 1 variant allele.
Comment: SZT2: PM2, PP3

NM_001365999.1(SZT2):c.1915C>A (p.Leu639Ile)

Gene: SZT2 (SZT2 subunit of KICSTOR complex; plus strand). Cytogenetic location: 1p34.2.
Variant type: single nucleotide variant.
Coding change: c.1915C>A on transcript NM_001365999.1 (MANE Select); coding-DNA position 1915, C replaced by A.
Protein change: p.Leu639Ile; replaces leucine 639 with isoleucine.
Molecular consequence: missense variant.
Genome position (GRCh38, 1-based): chr1:43,422,625, C>A. VCF-style: chr1-43422625-C-A. GRCh37 (hg19) VCF-style: chr1-43888296-C-A.
Other names: c.1915C>A, p.Leu639Ile (NM_015284.4); short protein forms L639I.
Identifiers: ClinVar variation 2638749 (VCV002638749.24), dbSNP rs2545806667, ClinGen allele CA340010395.